The following is an entry in ClinVar:

NM_145068.4(TRPV3):c.1702G>T (p.Gly568Cys)

Gene: TRPV3 (transient receptor potential cation channel subfamily V member 3; minus strand). Cytogenetic location: 17p13.2.
Variant type: single nucleotide variant.
Coding change: c.1702G>T on transcript NM_145068.4 (MANE Select); coding-DNA position 1702, G replaced by T.
Protein change: p.Gly568Cys; replaces glycine 568 with cysteine.
Molecular consequence: missense variant.
Genome position (GRCh38, 1-based): chr17:3,524,239, C>A on the plus strand (G>T on the coding strand, the complement: TRPV3 is on the minus strand). VCF-style: chr17-3524239-C-A. GRCh37 (hg19) VCF-style: chr17-3427533-C-A.
Other names: c.1702G>T, p.Gly568Cys (NM_001258205.2); short protein forms G568C.
Identifiers: ClinVar variation 4710292 (VCV004710292.1).
Genomic context (GRCh38, chr17:3,524,239, plus strand): 5'-GGCGCAGCTCTCAACGCACCTTCTGGATCATGACGCTGTACATGCCCATGGACTGGAAAC[C>A]CCGCGTATAGTAGAGCATGTTCGCCCAGCCCAGGGCCATGGCCAGCACGAGGCAGGCGAG-3'
Protein context (NP_659505.1, residues 558-578): GWANMLYYTR[Gly568Cys]FQSMGMYSVM

ClinVar aggregate classification (germline): Pathogenic (1 of 4 stars; one submission).

gnomAD v4.1: 2 of 1,614,246 alleles (0.00012%); highest among the groups gnomAD compares: Non-Finnish European, 0.00017%; no homozygotes.

Submission:

Labcorp Genetics (formerly Invitae), Labcorp
Classification: Pathogenic. Last evaluated: 2025-09-09. Review status: criteria provided, single submitter. Criteria: Invitae Variant Classification Sherloc (09022015). Collection method: clinical testing. Allele origin: germline.
Comment: This sequence change replaces glycine, which is neutral and non-polar, with cysteine, which is neutral and slightly polar, at codon 568 of the TRPV3 protein (p.Gly568Cys). The frequency data for this variant in the population databases is considered unreliable, as metrics indicate poor data quality at this position in the gnomAD database. This missense change has been observed in individual(s) with Olmsted syndrome (PMID: 24606194, 27189830, 31895432). It has also been observed to segregate with disease in related individuals. Invitae Evidence Modeling of protein sequence and biophysical properties (such as structural, functional, and spatial information, amino acid conservation, physicochemical variation, residue mobility, and thermodynamic stability) indicates that this missense variant is expected to disrupt TRPV3 protein function with a positive predictive value of 95%. Experimental studies have shown that this missense change affects TRPV3 function (PMID: 36063600). This variant disrupts the p.Gly568 amino acid residue in TRPV3. Other variant(s) that disrupt this residue have been observed in individuals with TRPV3-related conditions (PMID: 24606194, 26067147, 29436206), which suggests that this may be a clinically significant amino acid residue. For these reasons, this variant has been classified as Pathogenic.

Literature cited by the submitters: PubMed 24606194; PubMed 27189830; PubMed 31895432; PubMed 36063600; PubMed 26067147; PubMed 29436206.